The following is an entry in ClinVar:

NM_006258.4(PRKG1):c.866C>G (p.Pro289Arg)

Gene: PRKG1 (protein kinase cGMP-dependent 1; plus strand). Cytogenetic location: 10q21.1.
Variant type: single nucleotide variant.
Coding change: c.866C>G on transcript NM_006258.4 (MANE Select); coding-DNA position 866, C replaced by G.
Protein change: p.Pro289Arg; replaces proline 289 with arginine.
Molecular consequence: missense variant. On other transcripts: 5 prime UTR variant (1).
Genome position (GRCh38, 1-based): chr10:52,062,562, C>G. VCF-style: chr10-52062562-C-G. GRCh37 (hg19) VCF-style: chr10-53822322-C-G.
Other names: c.821C>G, p.Pro274Arg (NM_001098512.3); c.-344C>G (NM_001374781.1); c.866C>G, p.Pro289Arg (NM_001374782.1); short protein forms P274R, P289R.
Identifiers: ClinVar variation 5027359 (VCV005027359.1).
Genomic context (GRCh38, chr10:52,062,562, plus strand): 5'-CAGTGGATCTAAACTTTCATTGTTTCTCTTTGCAGGTAAATGTCACTCGTGAAGACTCAC[C>G]GAGTGAAGACCCAGTCTTTCTTAGAACTTTAGGAAAAGGAGACTGGTTTGGAGAGAAAGC-3'
Protein context (NP_006249.1, residues 279-299): GTVNVTREDS[Pro289Arg]SEDPVFLRTL

ClinVar aggregate classification (germline): Uncertain significance (1 of 4 stars; one submission).

Conditions:
Familial thoracic aortic aneurysm and aortic dissection (TAAD). Also called: Thoracic aortic aneurysms and dissections. Identifiers: Orphanet 91387, MedGen C4707243, MONDO:0019625.

gnomAD v4.1: 3 of 1,603,734 alleles (0.00019%); highest among the groups gnomAD compares: South Asian, 0.0034%; no homozygotes.

Submission:

Ambry Genetics
Classification: Uncertain significance for Familial thoracic aortic aneurysm and aortic dissection. Last evaluated: 2026-07-24. Review status: criteria provided, single submitter. Criteria: Ambry Variant Classification Scheme 2023. Collection method: clinical testing. Allele origin: germline.
Comment: The p.P289R variant (also known as c.866C>G), located in coding exon 7 of the PRKG1 gene, results from a C to G substitution at nucleotide position 866. The proline at codon 289 is replaced by arginine, an amino acid with dissimilar properties. This amino acid position is conserved. In addition, this alteration is predicted to be deleterious by in silico analysis. Based on the available evidence, the clinical significance of this variant remains unclear.